The following is an entry in ClinVar:

ClinVar aggregate classification (germline): Uncertain significance (1 of 4 stars; one submission).

Submission:

Ambry Genetics
Classification: Uncertain significance. Last evaluated: 2026-08-31. Review status: criteria provided, single submitter. Criteria: Ambry Variant Classification Scheme 2023. Collection method: clinical testing. Allele origin: germline.
Comment: The p.H472Q variant (also known as c.1416T>A), located in coding exon 8 of the RNF43 gene, results from a T to A substitution at nucleotide position 1416. The histidine at codon 472 is replaced by glutamine, an amino acid with highly similar properties. This amino acid position is conserved. In addition, this alteration is predicted to be tolerated by in silico analysis. Based on the available evidence, the clinical significance of this variant remains unclear.

NM_017763.6(RNF43):c.1416T>A (p.His472Gln)

Gene: RNF43 (ring finger protein 43; minus strand). Cytogenetic location: 17q22.
Variant type: single nucleotide variant.
Coding change: c.1416T>A on transcript NM_017763.6 (MANE Select); coding-DNA position 1416, T replaced by A.
Protein change: p.His472Gln; replaces histidine 472 with glutamine.
Molecular consequence: missense variant.
Genome position (GRCh38, 1-based): chr17:58,358,360, A>T on the plus strand (T>A on the coding strand, the complement: RNF43 is on the minus strand). VCF-style: chr17-58358360-A-T. GRCh37 (hg19) VCF-style: chr17-56435721-A-T.
Other names: c.1416T>A, p.His472Gln (NM_001305544.3, NM_001438820.1, NM_001438821.1 and 1 more transcripts); c.1035T>A, p.His345Gln (NM_001305545.2, NM_001437987.1); short protein forms H472Q, H345Q.
Identifiers: ClinVar variation 5028364 (VCV005028364.1).
Genomic context (GRCh38, chr17:58,358,360, plus strand): 5'-GCCATGGACCCCCTGTAGGCTGATGTCCGTGCAGTTGACCACAGAGTCACTGGAAGAGCC[A>T]TGACAGGGCCCTGAGCTGGAGTCACTGGCTGGCCCATCTGCCAGGTACCCACTGCGTTCT-3'
Protein context (NP_060233.3, residues 462-482): PASDSSSGPC[His472Gln]GSSSDSVVNC